The following is an entry in ClinVar:

NM_024678.6(NARS2):c.450C>T (p.Asn150=)

Gene: NARS2 (asparaginyl-tRNA synthetase 2, mitochondrial; minus strand). Cytogenetic location: 11q14.1.
Variant type: single nucleotide variant.
Coding change: c.450C>T on transcript NM_024678.6 (MANE Select); coding-DNA position 450, C replaced by T.
Protein change: p.Asn150=; no amino-acid change (asparagine 150 retained).
Molecular consequence: synonymous variant. On other transcripts: 5 prime UTR variant (1).
Genome position (GRCh38, 1-based): chr11:78,566,195, G>A on the plus strand (C>T on the coding strand, the complement: NARS2 is on the minus strand). VCF-style: chr11-78566195-G-A. GRCh37 (hg19) VCF-style: chr11-78277241-G-A.
Other names: c.-232C>T (NM_001243251.2).
Identifiers: ClinVar variation 514791 (VCV000514791.9), dbSNP rs186895127, ClinGen allele CA225112560.

ClinVar aggregate classification (germline): Likely benign. Review status: criteria provided, multiple submitters, no conflicts (2 of 4 stars). 3 submissions from 3 submitters: Likely benign (3). Last evaluated 2023-12-18.

Allele frequency attached by ClinVar (database versions not stated): TOPMed 0.00001; gnomAD 0.00002 and 0.00003; 1000 Genomes Project 30x 0.00016; 1000 Genomes Project 0.00020.
gnomAD v4.1: 19 of 1,612,892 alleles (0.0012%); highest among the groups gnomAD compares: East Asian, 0.0045%; no homozygotes.

Submissions (3):

Labcorp Genetics (formerly Invitae), Labcorp
Classification: Likely benign. Last evaluated: 2023-12-18. Review status: criteria provided, single submitter. Criteria: Invitae Variant Classification Sherloc (09022015). Collection method: clinical testing. Allele origin: germline.

Blueprint Genetics
Classification: Likely benign. Last evaluated: 2021-10-04. Review status: criteria provided, single submitter. Criteria: ACMG Guidelines, 2015. Collection method: clinical testing. Allele origin: germline.

GeneDx
Classification: Likely benign. Last evaluated: 2018-02-02. Review status: criteria provided, single submitter. Criteria: GeneDx Variant Classification (06012015). Collection method: clinical testing. Allele origin: germline. Affected: yes.
Comment: This variant is considered likely benign or benign based on one or more of the following criteria: it is a conservative change, it occurs at a poorly conserved position in the protein, it is predicted to be benign by multiple in silico algorithms, and/or has population frequency not consistent with disease.